The following is an entry in ClinVar:

ClinVar aggregate classification (germline): Uncertain significance (1 of 4 stars; one submission).

Conditions:
TH-deficient dopa-responsive dystonia. Also called: Tyrosine Hydroxylase-Deficient Dopa-Responsive Dystonia; Segawa syndrome, autosomal recessive; DYT-TH. Identifiers: Orphanet 101150, MedGen C2673535, MONDO:0011551, OMIM 605407.

Submission:

Labcorp Genetics (formerly Invitae), Labcorp
Classification: Uncertain significance for TH-deficient dopa-responsive dystonia. Last evaluated: 2022-08-16. Review status: criteria provided, single submitter. Criteria: Invitae Variant Classification Sherloc (09022015). Collection method: clinical testing. Allele origin: germline.
Comment: This sequence change replaces aspartic acid, which is acidic and polar, with histidine, which is basic and polar, at codon 515 of the TH protein (p.Asp515His). This variant is not present in population databases (gnomAD no frequency). This variant has not been reported in the literature in individuals affected with TH-related conditions. Advanced modeling of protein sequence and biophysical properties (such as structural, functional, and spatial information, amino acid conservation, physicochemical variation, residue mobility, and thermodynamic stability) performed at Invitae indicates that this missense variant is not expected to disrupt TH protein function. In summary, the available evidence is currently insufficient to determine the role of this variant in disease. Therefore, it has been classified as a Variant of Uncertain Significance.

NM_000360.4(TH):c.1450G>C (p.Asp484His)

Gene: TH (tyrosine hydroxylase; minus strand). Cytogenetic location: 11p15.5.
Variant type: single nucleotide variant.
Coding change: c.1450G>C on transcript NM_000360.4 (MANE Select); coding-DNA position 1450, G replaced by C.
Protein change: p.Asp484His; replaces aspartic acid 484 with histidine.
Molecular consequence: missense variant.
Genome position (GRCh38, 1-based): chr11:2,164,277, C>G on the plus strand (G>C on the coding strand, the complement: TH is on the minus strand). VCF-style: chr11-2164277-C-G. GRCh37 (hg19) VCF-style: chr11-2185507-C-G.
Other names: c.1543G>C, p.Asp515His (NM_199292.3); c.1531G>C, p.Asp511His (NM_199293.3); short protein forms D515H, D484H, D511H.
Identifiers: ClinVar variation 2139647 (VCV002139647.1), dbSNP rs1590163986, ClinGen allele CA379124100.
Genomic context (GRCh38, chr11:2,164,277, plus strand): 5'-CAGGGACGCCGTGCACCTAGCCAATGGCACTCAGCGCATGGGCAAGGGTGTCCAGCTCAT[C>G]CTGGACACCCTCCAGGGAGCGCCGCACGGCCTGGGGGCTGTCCAGCACGTCGATGGCCAG-3'
Protein context (NP_000351.2, residues 474-494): AVRRSLEGVQ[Asp484His]ELDTLAHALS